The following is an entry in ClinVar:

ClinVar aggregate classification (germline): Uncertain significance (1 of 4 stars; one submission).

Conditions:
Tumor predisposition syndrome 3 (TPDS3). Also called: Glioma susceptibility 9; LONG TELOMERE SYNDROME, POT1-RELATED; POT1 Tumor Predisposition; Melanoma, cutaneous malignant, susceptibility to, 10. Identifiers: Orphanet 618, MedGen C4014476, MONDO:0014368, OMIM 615848.

gnomAD v4.1: 1 of 1,604,120 alleles (0.000062%); highest among the groups gnomAD compares: Non-Finnish European, 0.000085%; no homozygotes.

Submission:

Labcorp Genetics (formerly Invitae), Labcorp
Classification: Uncertain significance for Tumor predisposition syndrome 3. Last evaluated: 2024-01-19. Review status: criteria provided, single submitter. Criteria: Invitae Variant Classification Sherloc (09022015). Collection method: clinical testing. Allele origin: germline.
Comment: This sequence change affects codon 319 of the POT1 mRNA. It is a 'silent' change, meaning that it does not change the encoded amino acid sequence of the POT1 protein. This variant is not present in population databases (gnomAD no frequency). This variant has not been reported in the literature in individuals affected with POT1-related conditions. Studies have shown that this variant is associated with inconclusive levels of altered splicing (Invitae). In summary, the available evidence is currently insufficient to determine the role of this variant in disease. Therefore, it has been classified as a Variant of Uncertain Significance.

NM_015450.3(POT1):c.957A>G (p.Gly319=)

Gene: POT1 (protection of telomeres 1; minus strand). Cytogenetic location: 7q31.33.
Variant type: single nucleotide variant.
Coding change: c.957A>G on transcript NM_015450.3 (MANE Select); coding-DNA position 957, A replaced by G.
Protein change: p.Gly319=; no amino-acid change (glycine 319 retained).
Molecular consequence: synonymous variant. On other transcripts: non-coding transcript variant (3).
Genome position (GRCh38, 1-based): chr7:124,846,991, T>C on the plus strand (A>G on the coding strand, the complement: POT1 is on the minus strand). VCF-style: chr7-124846991-T-C. GRCh37 (hg19) VCF-style: chr7-124487045-T-C.
Other names: c.564A>G, p.Gly188= (NM_001042594.2).
Identifiers: ClinVar variation 2709542 (VCV002709542.3), dbSNP rs1301910586, ClinGen allele CA457466021.